The following is an entry in ClinVar:

NM_001130698.2(TRPC3):c.2647G>T (p.Asp883Tyr)

Gene: TRPC3 (transient receptor potential cation channel subfamily C member 3; minus strand). Cytogenetic location: 4q27.
Variant type: single nucleotide variant.
Coding change: c.2647G>T on transcript NM_001130698.2 (MANE Select); coding-DNA position 2647, G replaced by T.
Protein change: p.Asp883Tyr; replaces aspartic acid 883 with tyrosine.
Molecular consequence: missense variant.
Genome position (GRCh38, 1-based): chr4:121,879,855, C>A on the plus strand (G>T on the coding strand, the complement: TRPC3 is on the minus strand). VCF-style: chr4-121879855-C-A. GRCh37 (hg19) VCF-style: chr4-122801010-C-A.
Other names: c.2563G>T, p.Asp855Tyr (NM_001366479.2); c.2428G>T, p.Asp810Tyr (NM_003305.2); short protein forms D883Y, D810Y, D855Y.
Identifiers: ClinVar variation 3630235 (VCV003630235.2).
Genomic context (GRCh38, chr4:121,879,855, plus strand): 5'-CTAATTCCTCAGTTGCTTGGCTCTTGTCTTCCAAAAGTTCATAACGAAGGCTGGAGATAT[C>A]TTGCTTGATTTCTTTTAATTCACCTATAGTATTGATATTAAAAAATTATTGGTAAGTTGC-3'
Protein context (NP_001124170.1, residues 873-893): NEGELKEIKQ[Asp883Tyr]ISSLRYELLE

ClinVar aggregate classification (germline): Uncertain significance (1 of 4 stars; one submission).

Submission:

Labcorp Genetics (formerly Invitae), Labcorp
Classification: Uncertain significance. Last evaluated: 2024-10-01. Review status: criteria provided, single submitter. Criteria: Invitae Variant Classification Sherloc (09022015). Collection method: clinical testing. Allele origin: germline.
Comment: This sequence change replaces aspartic acid, which is acidic and polar, with tyrosine, which is neutral and polar, at codon 883 of the TRPC3 protein (p.Asp883Tyr). This variant is not present in population databases (gnomAD no frequency). This variant has not been reported in the literature in individuals affected with TRPC3-related conditions. Invitae Evidence Modeling of protein sequence and biophysical properties (such as structural, functional, and spatial information, amino acid conservation, physicochemical variation, residue mobility, and thermodynamic stability) indicates that this missense variant is expected to disrupt TRPC3 protein function with a positive predictive value of 80%. In summary, the available evidence is currently insufficient to determine the role of this variant in disease. Therefore, it has been classified as a Variant of Uncertain Significance.